The following is an entry in ClinVar:

ClinVar aggregate classification (germline): Uncertain significance (1 of 4 stars; one submission).

Conditions:
Atrial fibrillation, familial, 7 (ATFB7). Identifiers: MedGen C2677106, MONDO:0012828, OMIM 612240.

Allele frequency attached by ClinVar (database versions not stated): gnomAD exomes below 0.00001.
gnomAD v4.1: 2 of 1,614,122 alleles (0.00012%); highest among the groups gnomAD compares: Non-Finnish European, 0.00017%; no homozygotes.

Submission:

Labcorp Genetics (formerly Invitae), Labcorp
Classification: Uncertain significance for Atrial fibrillation, familial, 7. Last evaluated: 2023-08-22. Review status: criteria provided, single submitter. Criteria: Invitae Variant Classification Sherloc (09022015). Collection method: clinical testing. Allele origin: germline.
Comment: In summary, the available evidence is currently insufficient to determine the role of this variant in disease. Therefore, it has been classified as a Variant of Uncertain Significance. Advanced modeling of protein sequence and biophysical properties (such as structural, functional, and spatial information, amino acid conservation, physicochemical variation, residue mobility, and thermodynamic stability) performed at Invitae indicates that this missense variant is expected to disrupt KCNA5 protein function. ClinVar contains an entry for this variant (Variation ID: 565316). This variant has not been reported in the literature in individuals affected with KCNA5-related conditions. This variant is not present in population databases (gnomAD no frequency). This sequence change replaces lysine, which is basic and polar, with glutamic acid, which is acidic and polar, at codon 349 of the KCNA5 protein (p.Lys349Glu).

NM_002234.4(KCNA5):c.1045A>G (p.Lys349Glu)

Gene: KCNA5 (potassium voltage-gated channel subfamily A member 5; plus strand). Cytogenetic location: 12p13.32.
Variant type: single nucleotide variant.
Coding change: c.1045A>G on transcript NM_002234.4 (MANE Select); coding-DNA position 1045, A replaced by G.
Protein change: p.Lys349Glu; replaces lysine 349 with glutamic acid.
Molecular consequence: missense variant.
Genome position (GRCh38, 1-based): chr12:5,045,192, A>G. VCF-style: chr12-5045192-A-G. GRCh37 (hg19) VCF-style: chr12-5154358-A-G.
Other names: short protein forms K349E.
Identifiers: ClinVar variation 565316 (VCV000565316.8), dbSNP rs1565465758, ClinGen allele CA383465659.